The following is an entry in ClinVar:

NM_002074.5(GNB1):c.687C>G (p.Ile229Met)

Gene: GNB1 (G protein subunit beta 1; minus strand). Cytogenetic location: 1p36.33.
Variant type: single nucleotide variant.
Coding change: c.687C>G on transcript NM_002074.5 (MANE Select); coding-DNA position 687, C replaced by G.
Protein change: p.Ile229Met; replaces isoleucine 229 with methionine.
Molecular consequence: missense variant.
Genome position (GRCh38, 1-based): chr1:1,790,407, G>C on the plus strand (C>G on the coding strand, the complement: GNB1 is on the minus strand). VCF-style: chr1-1790407-G-C. GRCh37 (hg19) VCF-style: chr1-1721846-G-C.
Other names: c.387C>G, p.Ile129Met (NM_001282538.2); c.687C>G, p.Ile229Met (NM_001282539.2); short protein forms I129M, I229M.
Identifiers: ClinVar variation 2430986 (VCV002430986.1), dbSNP rs2100502789, ClinGen allele CA337906353.

ClinVar aggregate classification (germline): Uncertain significance (1 of 4 stars; one submission).

Submission:

GeneDx
Classification: Uncertain significance. Last evaluated: 2022-08-24. Review status: criteria provided, single submitter. Criteria: GeneDx Variant Classification Process June 2021. Collection method: clinical testing. Allele origin: germline. Affected: yes.
Comment: Not observed at significant frequency in large population cohorts (gnomAD); In silico analysis supports that this missense variant has a deleterious effect on protein structure/function; Has not been previously published as pathogenic or benign to our knowledge